The following is an entry in ClinVar:

NM_021035.3(ZNFX1):c.3537C>A (p.Val1179=)

Gene: ZNFX1 (zinc finger NFX1-type containing 1; minus strand). Cytogenetic location: 20q13.13.
Variant type: single nucleotide variant.
Coding change: c.3537C>A on transcript NM_021035.3 (MANE Select); coding-DNA position 3537, C replaced by A.
Protein change: p.Val1179=; no amino-acid change (valine 1179 retained).
Molecular consequence: synonymous variant.
Genome position (GRCh38, 1-based): chr20:49,249,487, G>T on the plus strand (C>A on the coding strand, the complement: ZNFX1 is on the minus strand). VCF-style: chr20-49249487-G-T. GRCh37 (hg19) VCF-style: chr20-47866024-G-T.
Other names: c.3537C>A (NM_021035.2).
Identifiers: ClinVar variation 2652388 (VCV002652388.25), dbSNP rs201256642, ClinGen allele CA9902025.

ClinVar aggregate classification (germline): Likely benign. Review status: criteria provided, single submitter (1 of 4 stars). 2 submissions from 2 submitters: Likely benign (1). 1 of the submissions does not count toward it. Last evaluated 2025-12-01.

Conditions:
ZNFX1-related disorder. Also called: ZNFX1-related condition.

Allele frequency attached by ClinVar (database versions not stated): gnomAD 0.00005; TOPMed 0.00005.
gnomAD v4.1: 76 of 1,614,268 alleles (0.0047%); highest among the groups gnomAD compares: Middle Eastern, 0.36%; 1 homozygote.

Submissions (2):

CeGaT Center for Human Genetics Tuebingen
Classification: Likely benign. Last evaluated: 2025-12-01. Review status: criteria provided, single submitter. Criteria: CeGaT Center For Human Genetics Tuebingen Variant Classification Criteria Version 2. Collection method: clinical testing. Allele origin: germline. Affected: yes. Observed: 2 variant alleles.
Comment: ZNFX1: BP4, BP7

PreventionGenetics, part of Exact Sciences
Classification: Likely benign for ZNFX1-related condition. Last evaluated: 2023-12-20. Review status: no assertion criteria provided. Collection method: clinical testing. Allele origin: germline. Not counted in ClinVar's aggregate classification.
Comment: This variant is classified as likely benign based on ACMG/AMP sequence variant interpretation guidelines (Richards et al. 2015 PMID: 25741868, with internal and published modifications).